The following is an entry in ClinVar:

NM_020713.3(ZNF512B):c.1114A>G (p.Met372Val)

Gene: ZNF512B (zinc finger protein 512B; minus strand). Cytogenetic location: 20q13.33.
Variant type: single nucleotide variant.
Coding change: c.1114A>G on transcript NM_020713.3 (MANE Select); coding-DNA position 1114, A replaced by G.
Protein change: p.Met372Val; replaces methionine 372 with valine.
Molecular consequence: missense variant.
Genome position (GRCh38, 1-based): chr20:63,964,637, T>C on the plus strand (A>G on the coding strand, the complement: ZNF512B is on the minus strand). VCF-style: chr20-63964637-T-C. GRCh37 (hg19) VCF-style: chr20-62595990-T-C.
Other names: short protein forms M372V.
Identifiers: ClinVar variation 3060619 (VCV003060619.2), dbSNP rs817326, ClinGen allele CA9971231.

ClinVar aggregate classification (germline): Benign (0 of 4 stars; one submission).

Conditions:
ZNF512B-related disorder. Also called: ZNF512B-related condition.

Allele frequency attached by ClinVar (database versions not stated): ExAC 0.18030; gnomAD exomes 0.20960; 1000 Genomes Project 0.09445; 1000 Genomes Project 30x 0.09635; TOPMed 0.15834; ESP Exome Variant Server 0.17000; gnomAD 0.17116.
gnomAD v4.1: 330,380 of 1,612,580 alleles (20%); highest among the groups gnomAD compares: Non-Finnish European, 23%; 36,487 homozygotes.

Submission:

PreventionGenetics, part of Exact Sciences
Classification: Benign for ZNF512B-related condition. Last evaluated: 2019-10-22. Review status: no assertion criteria provided. Collection method: clinical testing. Allele origin: germline.
Comment: This variant is classified as benign based on ACMG/AMP sequence variant interpretation guidelines (Richards et al. 2015 PMID: 25741868, with internal and published modifications).